The following is an entry in ClinVar:

NM_000531.6(OTC):c.1015G>C (p.Val339Leu)

Gene: OTC (ornithine transcarbamylase; plus strand). Cytogenetic location: Xp11.4.
Variant type: single nucleotide variant.
Coding change: c.1015G>C on transcript NM_000531.6 (MANE Select); coding-DNA position 1015, G replaced by C.
Protein change: p.Val339Leu; replaces valine 339 with leucine.
Molecular consequence: missense variant.
Genome position (GRCh38, 1-based): chrX:38,421,032, G>C. VCF-style: chrX-38421032-G-C. GRCh37 (hg19) VCF-style: chrX-38280285-G-C.
Other names: short protein forms V339L.
Identifiers: ClinVar variation 97096 (VCV000097096.4), dbSNP rs72558488, ClinGen allele CA224438.

ClinVar aggregate classification (germline): Uncertain significance. Review status: criteria provided, single submitter (1 of 4 stars). 3 submissions from 3 submitters: Uncertain significance (1). 2 of the submissions do not count toward it. Last evaluated 2025-03-18.

Conditions:
Ornithine carbamoyltransferase deficiency (OTCD). Also called: ORNITHINE TRANSCARBAMYLASE DEFICIENCY, HYPERAMMONEMIA DUE TO; ORNITHINE TRANSCARBAMYLASE DEFICIENCY; OTC DEFICIENCY; Ornithine Carbamoyltransferase Deficiency Disease. Identifiers: Orphanet 664, MedGen C0268542, MONDO:0010703, OMIM 311250.

Submissions (3):

Women's Health and Genetics/Laboratory Corporation of America, LabCorp
Classification: Uncertain significance. Last evaluated: 2025-03-18. Review status: criteria provided, single submitter. Criteria: LabCorp Variant Classification Summary - May 2015. Collection method: clinical testing. Allele origin: germline.
Comment: Variant summary: OTC c.1015G>C (p.Val339Leu) results in a conservative amino acid change in the encoded protein sequence. Three of five in-silico tools predict a benign effect of the variant on protein function. The variant was absent in 182404 control chromosomes. c.1015G>C has been reported in the literature in individuals affected with Ornithine Transcarbamylase Deficiency (Tuchman_1997, Wang_2023). These data indicate that the variant may be associated with disease. At least one publication reports experimental evidence evaluating an impact on protein function, however, does not allow convincing conclusions about the variant effect (Lo_2023). The following publications have been ascertained in the context of this evaluation (PMID: 9266388, 37146589, 37824171). ClinVar contains an entry for this variant (Variation ID: 97096). Based on the evidence outlined above, the variant was classified as VUS-possibly pathogenic.

Natera, Inc.
Classification: Likely pathogenic for Ornithine transcarbamylase deficiency. Last evaluated: 2025-01-22. Review status: no assertion criteria provided. Collection method: clinical testing. Allele origin: germline. Not counted in ClinVar's aggregate classification.

GenMed Metabolism Lab
Classification: Pathogenic. Review status: no assertion criteria provided. Collection method: not provided. Allele origin: unknown. Not counted in ClinVar's aggregate classification.
Comment: p.Val339Leu, Neonatal
ClinVar note: Converted during submission from pathogenic to Pathogenic.

Literature cited by the submitters: PubMed 37146589 (cited by Women's Health and Genetics/Laboratory Corporation of America, LabCorp); PubMed 9266388 (cited by Women's Health and Genetics/Laboratory Corporation of America, LabCorp); PubMed 37824171 (cited by Women's Health and Genetics/Laboratory Corporation of America, LabCorp).